The following is an entry in ClinVar:

ClinVar aggregate classification (germline): Uncertain significance. Review status: criteria provided, multiple submitters, no conflicts (2 of 4 stars). 3 submissions from 3 submitters: Uncertain significance (3). Last evaluated 2025-10-21.

Conditions:
Exudative vitreoretinopathy 4 (EVR4). Identifiers: Orphanet 891, MedGen C1866176, MONDO:0011151, OMIM 601813.
Bone mineral density quantitative trait locus 1 (BMND1). Identifiers: MedGen C1866079, OMIM 601884.
Worth disease. Also called: ENDOSTEAL HYPEROSTOSIS, AUTOSOMAL DOMINANT; OSTEOSCLEROSIS, AUTOSOMAL DOMINANT; Autosomal dominant osteosclerosis, Worth type. Identifiers: Orphanet 2790, MedGen C0432273, MONDO:0007764, OMIM 144750.
Exudative vitreoretinopathy 1 (EVR1). Also called: CRISWICK-SCHEPENS SYNDROME; FEVR, AUTOSOMAL DOMINANT; Familial exudative vitreoretinopathy, autosomal dominant. Identifiers: Orphanet 891, Orphanet 90050, MedGen C1851402, MONDO:0007589, OMIM 133780.
Osteoporosis with pseudoglioma (OPPG). Also called: osteoporosis-pseudoglioma syndrome. Identifiers: Orphanet 2788, MedGen C0432252, MONDO:0009820, OMIM 259770.
Polycystic liver disease 4 with or without kidney cysts. Identifiers: MedGen C4693479, MONDO:0044327, OMIM 617875.
Osteoporosis. Identifiers: MedGen C0029456, MONDO:0005298, OMIM 166710, HP:0000939.
Autosomal dominant osteopetrosis 1 (OPTA1). Also called: OSTEOPETROSIS, AUTOSOMAL DOMINANT, TYPE I. Identifiers: Orphanet 2783, MedGen C1843330, MONDO:0011877, OMIM 607634.
Inborn genetic diseases. Identifiers: MedGen C0950123, MeSH D030342.

Allele frequency attached by ClinVar (database versions not stated): ExAC 0.00001; gnomAD exomes 0.00001 and 0.00002.
gnomAD v4.1: 8 of 1,613,142 alleles (0.0005%); highest among the groups gnomAD compares: Middle Eastern, 0.016%; no homozygotes.

Submissions (3):

Ambry Genetics
Classification: Uncertain significance for Inborn genetic diseases. Last evaluated: 2025-10-21. Review status: criteria provided, single submitter. Criteria: Ambry Variant Classification Scheme 2023. Collection method: clinical testing. Allele origin: germline.

Labcorp Genetics (formerly Invitae), Labcorp
Classification: Uncertain significance. Last evaluated: 2025-06-17. Review status: criteria provided, single submitter. Criteria: Invitae Variant Classification Sherloc (09022015). Collection method: clinical testing. Allele origin: germline.
Comment: This sequence change replaces arginine, which is basic and polar, with cysteine, which is neutral and slightly polar, at codon 899 of the LRP5 protein (p.Arg899Cys). This variant is present in population databases (rs760734426, gnomAD 0.006%). This variant has not been reported in the literature in individuals affected with LRP5-related conditions. ClinVar contains an entry for this variant (Variation ID: 1397236). Invitae Evidence Modeling of protein sequence and biophysical properties (such as structural, functional, and spatial information, amino acid conservation, physicochemical variation, residue mobility, and thermodynamic stability) has been performed for this missense variant. However, the output from this modeling did not meet the statistical confidence thresholds required to predict the impact of this variant on LRP5 protein function. In summary, the available evidence is currently insufficient to determine the role of this variant in disease. Therefore, it has been classified as a Variant of Uncertain Significance.

Fulgent Genetics
Classification: Uncertain significance for Exudative vitreoretinopathy 1; Worth disease; Osteoporosis; Osteoporosis with pseudoglioma; Exudative vitreoretinopathy 4; Bone mineral density quantitative trait locus 1; Autosomal dominant osteopetrosis 1; Polycystic liver disease 4 with or without kidney cysts. Last evaluated: 2022-03-25. Review status: criteria provided, single submitter. Criteria: ACMG Guidelines, 2015. Collection method: clinical testing. Allele origin: unknown.

NM_002335.4(LRP5):c.2695C>T (p.Arg899Cys)

Gene: LRP5 (LDL receptor related protein 5; plus strand). Cytogenetic location: 11q13.2.
Variant type: single nucleotide variant.
Coding change: c.2695C>T on transcript NM_002335.4 (MANE Select); coding-DNA position 2695, C replaced by T.
Protein change: p.Arg899Cys; replaces arginine 899 with cysteine.
Molecular consequence: missense variant.
Genome position (GRCh38, 1-based): chr11:68,413,880, C>T. VCF-style: chr11-68413880-C-T. GRCh37 (hg19) VCF-style: chr11-68181348-C-T.
Other names: c.2695C>T (NM_002335.2); c.952C>T, p.Arg318Cys (NM_001291902.2); short protein forms R899C, R318C.
Identifiers: ClinVar variation 1397236 (VCV001397236.6), dbSNP rs760734426, ClinGen allele CA6149714.